The following is an entry in ClinVar:

NC_000012.12:g.1971106C>T

Genes: CACNA1C (calcium voltage-gated channel subunit alpha1 C; plus strand), DCP1B (decapping mRNA 1B; minus strand). Cytogenetic location: 12p13.33.
Variant type: single nucleotide variant.
Molecular consequence: intron variant (on NM_152640.5).
Genome position: GRCh38 VCF-style: chr12-1971106-C-T. GRCh37 (hg19) VCF-style: chr12-2080272-C-T.
Other names: c.320-3196G>A (NM_152640.5).
Identifiers: ClinVar variation 4873464 (VCV004873464.2).

ClinVar aggregate classification (germline): Uncertain significance (1 of 4 stars; one submission).

gnomAD v4.1: 8 of 1,289,272 alleles (0.00062%); highest among the groups gnomAD compares: Non-Finnish European, 0.00061%; no homozygotes.

Submission:

CeGaT Center for Human Genetics Tuebingen
Classification: Uncertain significance. Last evaluated: 2026-06-01. Review status: criteria provided, single submitter. Criteria: CeGaT Center For Human Genetics Tuebingen Variant Classification Criteria Version 2. Collection method: clinical testing. Allele origin: germline. Affected: yes. Observed: 1 variant allele.
Comment: CACNA1C: PP2, BP4